The following is an entry in ClinVar:

NM_015932.6(POMP):c.227C>T (p.Pro76Leu)

Gene: POMP (proteasome maturation protein; plus strand). Cytogenetic location: 13q12.3.
Variant type: single nucleotide variant.
Coding change: c.227C>T on transcript NM_015932.6 (MANE Select); coding-DNA position 227, C replaced by T.
Protein change: p.Pro76Leu; replaces proline 76 with leucine.
Molecular consequence: missense variant.
Genome position (GRCh38, 1-based): chr13:28,668,537, C>T. VCF-style: chr13-28668537-C-T. GRCh37 (hg19) VCF-style: chr13-29242674-C-T.
Other names: short protein forms P76L.
Identifiers: ClinVar variation 4705058 (VCV004705058.2).
Genomic context (GRCh38, chr13:28,668,537, plus strand): 5'-AGCTCAACCAAGATAAAATGAATTTTTCCACACTGAGAAACATTCAGGGTCTATTTGCTC[C>T]GCTAAAATTACAGATGGAATTCAAGGCAGTGCAGCAGGTGAGTTGATGGATCTCTGTTGC-3'
Protein context (NP_057016.1, residues 66-86): TLRNIQGLFA[Pro76Leu]LKLQMEFKAV

ClinVar aggregate classification (germline): Uncertain significance. Review status: criteria provided, multiple submitters, no conflicts (2 of 4 stars). 2 submissions from 2 submitters: Uncertain significance (2). Last evaluated 2025-07-03.

gnomAD v4.1: 35 of 1,612,588 alleles (0.0022%); highest among the groups gnomAD compares: Non-Finnish European, 0.0025%; no homozygotes.

Submissions (2):

Labcorp Genetics (formerly Invitae), Labcorp
Classification: Uncertain significance. Last evaluated: 2025-07-03. Review status: criteria provided, single submitter. Criteria: Invitae Variant Classification Sherloc (09022015). Collection method: clinical testing. Allele origin: germline.
Comment: This sequence change replaces proline, which is neutral and non-polar, with leucine, which is neutral and non-polar, at codon 76 of the POMP protein (p.Pro76Leu). This variant is present in population databases (rs781185122, gnomAD 0.006%). This variant has not been reported in the literature in individuals affected with POMP-related conditions. An algorithm developed to predict the effect of missense changes on protein structure and function (PolyPhen-2) suggests that this variant is likely to be disruptive. In summary, the available evidence is currently insufficient to determine the role of this variant in disease. Therefore, it has been classified as a Variant of Uncertain Significance.

Blueprint Genetics
Classification: Uncertain significance. Last evaluated: 2021-08-31. Review status: criteria provided, single submitter. Criteria: ACMG Guidelines, 2015. Collection method: clinical testing. Allele origin: germline.